The following is an entry in ClinVar:

NM_000270.4(PNP):c.520G>C (p.Ala174Pro)

Gene: PNP (purine nucleoside phosphorylase; plus strand). Cytogenetic location: 14q11.2.
Variant type: single nucleotide variant.
Coding change: c.520G>C on transcript NM_000270.4 (MANE Select); coding-DNA position 520, G replaced by C.
Protein change: p.Ala174Pro; replaces alanine 174 with proline.
Molecular consequence: missense variant.
Genome position (GRCh38, 1-based): chr14:20,475,120, G>C. VCF-style: chr14-20475120-G-C. GRCh37 (hg19) VCF-style: chr14-20943279-G-C.
Other names: short protein forms A174P.
Identifiers: ClinVar variation 13989 (VCV000013989.11), dbSNP rs104894454, ClinGen allele CA123671.
Genomic context (GRCh38, chr14:20,475,120, plus strand): 5'-AGGTTTGGAGATCGTTTCCCTGCCATGTCTGATGCCTACGACCGGACTATGAGGCAGAGG[G>C]CTCTCAGTACCTGGAAACAAATGGGGGAGCAACGTGAGCTACAGGAAGGCACCTATGTGA-3'
Protein context (NP_000261.2, residues 164-184): DAYDRTMRQR[Ala174Pro]LSTWKQMGEQ

ClinVar aggregate classification (germline): Likely pathogenic. Review status: criteria provided, multiple submitters, no conflicts (2 of 4 stars). 6 submissions from 6 submitters: Likely pathogenic (5). 1 of the submissions does not count toward it. Last evaluated 2025-09-18.

Conditions:
Severe combined immunodeficiency disease. Also called: Severe combined immunodeficiency; Severe Combined Immune Deficiency. Identifiers: Orphanet 183660, MedGen C0085110, MeSH D016511, MONDO:0015974, HP:0004430. Inheritance: X-Linked or Autosomal recessive.
Purine-nucleoside phosphorylase deficiency. Also called: Immunodeficiency due to purine nucleoside phosphorylase deficiency; NUCLEOSIDE PHOSPHORYLASE DEFICIENCY. Identifiers: Orphanet 760, MedGen C0268125, MONDO:0013171, OMIM 613179.

Submissions (6):

Laboratorio de Genetica e Diagnostico Molecular, Hospital Israelita Albert Einstein
Classification: Likely pathogenic for Purine-nucleoside phosphorylase deficiency. Last evaluated: 2025-09-18. Review status: criteria provided, single submitter. Criteria: ACMG Guidelines, 2015. Collection method: clinical testing. Allele origin: germline. Affected: yes.
Comment: ACMG classification criteria: PM2 supporting, PM3 strong, PP3 supporting

Dasa
Classification: Likely pathogenic. Last evaluated: 2025-08-18. Review status: criteria provided, single submitter. Criteria: DASA Assertion Criteria. Collection method: clinical testing. Allele origin: germline.
Comment: NM_000270.4(PNP):c.520G>C (p.Ala174Pro) is a missense variant that results in the substitution of alanine with proline. Functional evidence supports a deleterious effect on the gene or gene product (PMID: 9067751; PMID: 35063692; PMID: 35503492; PMID: 3029074). This variant has been recurrently observed in individuals with related phenotype (PMID: 9067751; PMID: 35063692; PMID: 35503492; PMID: 3029074). Segregation evidence has been reported in affected families. Multiple computational predictions support a deleterious effect on the gene or gene product. Based on the available data, this variant is classified as likely pathogenic.

Fulgent Genetics
Classification: Likely pathogenic for Purine-nucleoside phosphorylase deficiency. Last evaluated: 2024-06-06. Review status: criteria provided, single submitter. Criteria: ACMG Guidelines, 2015. Collection method: clinical testing. Allele origin: germline.

Women's Health and Genetics/Laboratory Corporation of America, LabCorp
Classification: Likely pathogenic for Severe combined immunodeficiency disease. Last evaluated: 2024-06-03. Review status: criteria provided, single submitter. Criteria: LabCorp Variant Classification Summary - May 2015. Collection method: clinical testing. Allele origin: germline.
Comment: Variant summary: PNP c.520G>C (p.Ala174Pro) results in a non-conservative amino acid change located in the Nucleoside phosphorylase domain (IPR000845) of the encoded protein sequence. Five of five in-silico tools predict a damaging effect of the variant on protein function. The variant was absent in 251466 control chromosomes (gnomAD). c.520G>C has been reported in the literature in homozygous- and compound heterozygous individuals affected with Severe Combined Immunodeficiency (Markert_1997, Suratannon_2020, Torun_2022, Barreiros_2022). These data indicate that the variant is likely to be associated with disease. To our knowledge, no experimental evidence demonstrating an impact on protein function has been reported. The following publications have been ascertained in the context of this evaluation (PMID: 9067751, 32373116, 35063692, 5503492). ClinVar contains an entry for this variant (Variation ID: 13989). Based on the evidence outlined above, the variant was classified as likely pathogenic.

Labcorp Genetics (formerly Invitae), Labcorp
Classification: Likely pathogenic for Purine-nucleoside phosphorylase deficiency. Last evaluated: 2024-03-11. Review status: criteria provided, single submitter. Criteria: Invitae Variant Classification Sherloc (09022015). Collection method: clinical testing. Allele origin: germline.
Comment: This sequence change replaces alanine, which is neutral and non-polar, with proline, which is neutral and non-polar, at codon 174 of the PNP protein (p.Ala174Pro). This variant is not present in population databases (gnomAD no frequency). This missense change has been observed in individual(s) with clinical features of purine nucleoside phosphorylase deficiency (PMID: 9067751, 35063692, 35503492; Invitae). ClinVar contains an entry for this variant (Variation ID: 13989). Advanced modeling of protein sequence and biophysical properties (such as structural, functional, and spatial information, amino acid conservation, physicochemical variation, residue mobility, and thermodynamic stability) performed at Invitae indicates that this missense variant is expected to disrupt PNP protein function with a positive predictive value of 80%. This variant disrupts the p.Ala174 amino acid residue in PNP. Other variant(s) that disrupt this residue have been observed in individuals with PNP-related conditions (PMID: 3029074, 9067751), which suggests that this may be a clinically significant amino acid residue. In summary, the currently available evidence indicates that the variant is pathogenic, but additional data are needed to prove that conclusively. Therefore, this variant has been classified as Likely Pathogenic.

OMIM
Classification: Pathogenic for NUCLEOSIDE PHOSPHORYLASE DEFICIENCY. Last evaluated: 1997-01-01. Review status: no assertion criteria provided. Collection method: literature only. Allele origin: germline. Not counted in ClinVar's aggregate classification.

Literature cited by the submitters: PubMed 9067751 (cited by 4 submitters); PubMed 35063692 (cited by 3 submitters); PubMed 35503492 (cited by Dasa and Labcorp Genetics (formerly Invitae), Labcorp); PubMed 3029074 (cited by Dasa and Labcorp Genetics (formerly Invitae), Labcorp); PubMed 32373116 (cited by Women's Health and Genetics/Laboratory Corporation of America, LabCorp); PubMed 5503492 (cited by Women's Health and Genetics/Laboratory Corporation of America, LabCorp); Markert, M. L., Barrett, M. J. Point mutations causing purine nucleoside phosphorylase deficiency in a child with immunodeficiency. (Abstract) Am. J. Hum. Genet. 45 (suppl.): A205-only, 1989. (cited by OMIM).